The following is an entry in ClinVar:

NM_000218.3(KCNQ1):c.1514+737G>A

Genes: KCNQ1 (potassium voltage-gated channel subfamily Q member 1; plus strand), KCNQ1OT1 (KCNQ1 opposite strand/antisense transcript 1; minus strand). Cytogenetic location: 11p15.5.
Variant type: single nucleotide variant.
Coding change: c.1514+737G>A on transcript NM_000218.3 (MANE Select); 737 bases into the intron after coding-DNA position 1514, G replaced by A.
Molecular consequence: intron variant.
Genome position (GRCh38, 1-based): chr11:2,662,818, G>A. VCF-style: chr11-2662818-G-A. GRCh37 (hg19) VCF-style: chr11-2684048-G-A.
Other names: c.1244+737G>A (NM_001406837.1); c.1418+737G>A (NM_001406836.1); c.974+737G>A (NM_001406838.1); c.1133+737G>A (NM_181798.2).
Identifiers: ClinVar variation 1711301 (VCV001711301.30), dbSNP rs182677518, ClinGen allele CA216171866.

ClinVar aggregate classification (germline): Likely benign (1 of 4 stars; one submission).

Allele frequency attached by ClinVar (database versions not stated): 1000 Genomes Project 0.00120; 1000 Genomes Project 30x 0.00125; TOPMed 0.00193; gnomAD 0.00234; gnomAD exomes 0.00297.
gnomAD v4.1: 1,090 of 398,848 alleles (0.27%); highest among the groups gnomAD compares: South Asian, 0.45%; 2 homozygotes.

Submission:

CeGaT Center for Human Genetics Tuebingen
Classification: Likely benign. Last evaluated: 2026-09-01. Review status: criteria provided, single submitter. Criteria: CeGaT Center For Human Genetics Tuebingen Variant Classification Criteria Version 2. Collection method: clinical testing. Allele origin: germline. Affected: yes. Observed: 23 variant alleles.
Comment: KCNQ1OT1: BS1